The following is an entry in ClinVar:

ClinVar aggregate classification (germline): Uncertain significance (1 of 4 stars; one submission).

Submission:

GeneDx
Classification: Uncertain significance. Last evaluated: 2023-05-02. Review status: criteria provided, single submitter. Criteria: GeneDx Variant Classification Process June 2021. Collection method: clinical testing. Allele origin: germline. Affected: yes.
Comment: Has not been previously published as pathogenic or benign to our knowledge; Not observed at significant frequency in large population cohorts (gnomAD); In silico analysis supports that this missense variant has a deleterious effect on protein structure/function; Not located in the triple helical region, where the majority of pathogenic missense variants occur (HGMD)

NM_000088.4(COL1A1):c.4213C>A (p.Arg1405Ser)

Gene: COL1A1 (collagen type I alpha 1 chain; minus strand). Cytogenetic location: 17q21.33.
Variant type: single nucleotide variant.
Coding change: c.4213C>A on transcript NM_000088.4 (MANE Select); coding-DNA position 4213, C replaced by A.
Protein change: p.Arg1405Ser; replaces arginine 1405 with serine.
Molecular consequence: missense variant.
Genome position (GRCh38, 1-based): chr17:50,185,813, G>T on the plus strand (C>A on the coding strand, the complement: COL1A1 is on the minus strand). VCF-style: chr17-50185813-G-T. GRCh37 (hg19) VCF-style: chr17-48263174-G-T.
Other names: short protein forms R1405S.
Identifiers: ClinVar variation 2663421 (VCV002663421.1), dbSNP rs1279465588, ClinGen allele CA400191524.